The following is an entry in ClinVar:

ClinVar aggregate classification (germline): Conflicting classifications of pathogenicity. Review status: criteria provided, conflicting classifications (1 of 4 stars). 11 submissions from 11 submitters: Uncertain significance (1); Benign (1); Likely benign (9). Last evaluated 2026-06-01.

Conditions:
Cardiovascular phenotype. Identifiers: MedGen CN230736.
FLNC-related disorder. Also called: FLNC-related condition; FLNC-related disorders.
Hypertrophic cardiomyopathy 26. Also called: Cardiomyopathy, familial hypertrophic, 26. Identifiers: Orphanet 75249, MedGen C4310749, MONDO:0014883, OMIM 617047.
Myofibrillar myopathy 5. Also called: Filaminopathy (type); FILAMINOPATHY, AUTOSOMAL DOMINANT. Identifiers: Orphanet 171445, MedGen C1836050, MONDO:0012289, OMIM 609524.
Distal myopathy with posterior leg and anterior hand involvement. Also called: WILLIAMS DISTAL MYOPATHY. Identifiers: Orphanet 63273, MedGen C3279722, MONDO:0013550, OMIM 614065.

Allele frequency attached by ClinVar (database versions not stated): gnomAD exomes 0.00014 and 0.00029; ESP Exome Variant Server 0.00016; gnomAD 0.00026; TOPMed 0.00030; 1000 Genomes Project 0.00040; ExAC 0.00047; 1000 Genomes Project 30x 0.00062.
gnomAD v4.1: 259 of 1,540,606 alleles (0.017%); highest among the groups gnomAD compares: Middle Eastern, 0.15%; 2 homozygotes.

Submissions (11):

CeGaT Center for Human Genetics Tuebingen
Classification: Likely benign. Last evaluated: 2026-06-01. Review status: criteria provided, single submitter. Criteria: CeGaT Center For Human Genetics Tuebingen Variant Classification Criteria Version 2. Collection method: clinical testing. Allele origin: germline. Affected: yes. Observed: 6 variant alleles.
Comment: FLNC: BP4, BS2

Labcorp Genetics (formerly Invitae), Labcorp
Classification: Likely benign for Distal myopathy with posterior leg and anterior hand involvement; Myofibrillar myopathy 5; Hypertrophic cardiomyopathy 26. Last evaluated: 2026-02-01. Review status: criteria provided, single submitter. Criteria: Invitae Variant Classification Sherloc (09022015). Collection method: clinical testing. Allele origin: germline.

Women's Health and Genetics/Laboratory Corporation of America, LabCorp
Classification: Likely benign. Last evaluated: 2025-07-28. Review status: criteria provided, single submitter. Criteria: LabCorp Variant Classification Summary - May 2015. Collection method: clinical testing. Allele origin: germline.

Molecular Diagnostic Laboratory for Inherited Cardiovascular Disease, Montreal Heart Institute
Classification: Likely benign. Last evaluated: 2025-04-09. Review status: criteria provided, single submitter. Criteria: ACMG Guidelines, 2015. Collection method: clinical testing. Allele origin: germline. Affected: no.

PreventionGenetics, part of Exact Sciences
Classification: Likely benign for FLNC-related condition. Last evaluated: 2025-03-12. Review status: criteria provided, single submitter. Criteria: ACMG Guidelines, 2015. Collection method: clinical testing. Allele origin: germline.
Comment: This variant is classified as likely benign based on ACMG/AMP sequence variant interpretation guidelines (Richards et al. 2015 PMID: 25741868, with internal and published modifications).

Mayo Clinic Laboratories, Mayo Clinic
Classification: Likely benign. Last evaluated: 2024-11-14. Review status: criteria provided, single submitter. Criteria: ACMG Guidelines, 2015. Collection method: clinical testing. Allele origin: germline. Observed: 1 variant allele.
Comment: BS1, BP4

Blueprint Genetics
Classification: Likely benign. Last evaluated: 2024-11-04. Review status: criteria provided, single submitter. Criteria: ACMG Guidelines, 2015. Collection method: clinical testing. Allele origin: germline.

Revvity Omics, Revvity
Classification: Likely benign. Last evaluated: 2023-03-15. Review status: criteria provided, single submitter. Criteria: ACMG Guidelines, 2015. Collection method: clinical testing. Allele origin: germline.

Ambry Genetics
Classification: Likely benign for Cardiovascular phenotype. Last evaluated: 2022-01-26. Review status: criteria provided, single submitter. Criteria: Ambry Variant Classification Scheme 2023. Collection method: clinical testing. Allele origin: germline.

GeneDx
Classification: Benign. Last evaluated: 2020-10-28. Review status: criteria provided, single submitter. Criteria: GeneDx Variant Classification Process June 2021. Collection method: clinical testing. Allele origin: germline. Affected: yes.

Neuberg Centre For Genomic Medicine, NCGM
Classification: Uncertain significance for Hypertrophic cardiomyopathy 26. Review status: criteria provided, single submitter. Criteria: ACMG Guidelines, 2015. Collection method: clinical testing. Allele origin: germline. Inheritance: Autosomal dominant inheritance. Affected: yes.
Comment: The missense variant c.5284C>T (p.Arg1762Cys) in FLNC gene has not been reported previously as a pathogenic variant nor as a benign variant, to our knowledge. The variant has been submitted to ClinVar with conflicting interpretations of Uncertain Significance/Likely Benign. The p.Arg1762Cys variant is novel (not in any individuals) in 1000 Genomes and allele frequency of 0.02512% is reported in gnomAD. The amino acid Arg at position 1762 is changed to a Cys changing protein sequence and it might alter its composition and physico-chemical properties. In silico tools predict the variant to be tolerated. The residue is conserved across species. The amino acid change p.Arg1762Cys in FLNC is predicted as conserved by GERP++ and PhyloP across 100 vertebrates. The cysteine amino acid residue is found in multiple mammalian species, suggesting that this missense change does not adversely affect protein function. For these reasons, this variant has been classified as Uncertain Significance .

NM_001458.5(FLNC):c.5284C>T (p.Arg1762Cys)

Gene: FLNC (filamin C; plus strand). Cytogenetic location: 7q32.1.
Variant type: single nucleotide variant.
Coding change: c.5284C>T on transcript NM_001458.5 (MANE Select); coding-DNA position 5284, C replaced by T.
Protein change: p.Arg1762Cys; replaces arginine 1762 with cysteine.
Molecular consequence: missense variant. On other transcripts: intron variant (1).
Genome position (GRCh38, 1-based): chr7:128,850,060, C>T. VCF-style: chr7-128850060-C-T. GRCh37 (hg19) VCF-style: chr7-128490114-C-T.
Other names: p.Arg1762Cys; c.5200-324C>T (NM_001127487.2); short protein forms R1762C.
Identifiers: ClinVar variation 472100 (VCV000472100.65), dbSNP rs201926772, ClinGen allele CA4475628.